The following is an entry in ClinVar:

NM_007194.4(CHEK2):c.239C>G (p.Pro80Arg)

Gene: CHEK2 (checkpoint kinase 2; minus strand). Cytogenetic location: 22q12.1.
Variant type: single nucleotide variant.
Coding change: c.239C>G on transcript NM_007194.4 (MANE Select); coding-DNA position 239, C replaced by G.
Protein change: p.Pro80Arg; replaces proline 80 with arginine.
Molecular consequence: missense variant.
Genome position (GRCh38, 1-based): chr22:28,734,483, G>C on the plus strand (C>G on the coding strand, the complement: CHEK2 is on the minus strand). VCF-style: chr22-28734483-G-C. GRCh37 (hg19) VCF-style: chr22-29130471-G-C.
Other names: c.239C>G, p.Pro80Arg (NM_001005735.3, NM_001349956.3, NM_145862.3); c.-539C>G (NM_001257387.3); short protein forms P80R.
Identifiers: ClinVar variation 2574183 (VCV002574183.1), dbSNP rs876659006, ClinGen allele CA411090627.

ClinVar aggregate classification (germline): Uncertain significance (1 of 4 stars; one submission).

Submission:

GeneDx
Classification: Uncertain significance. Last evaluated: 2023-01-31. Review status: criteria provided, single submitter. Criteria: GeneDx Variant Classification Process June 2021. Collection method: clinical testing. Allele origin: germline. Affected: yes.
Comment: Not observed at significant frequency in large population cohorts (gnomAD); In silico analysis supports that this missense variant has a deleterious effect on protein structure/function; Has not been previously published as pathogenic or benign to our knowledge